The following is an entry in ClinVar:

ClinVar aggregate classification (germline): Uncertain significance (1 of 4 stars; one submission).

Conditions:
Catecholaminergic polymorphic ventricular tachycardia 1. Also called: VENTRICULAR TACHYCARDIA, CATECHOLAMINERGIC POLYMORPHIC, 1, WITH OR WITHOUT ATRIAL DYSFUNCTION AND/OR DILATED CARDIOMYOPATHY; VENTRICULAR TACHYCARDIA, STRESS-INDUCED POLYMORPHIC 1; RYR2-Related Catecholaminergic Polymorphic Ventricular Tachycardia. Identifiers: Orphanet 3286, MedGen C1631597, MONDO:0011484, OMIM 604772.

gnomAD v4.1: 1 of 1,577,326 alleles (0.000063%); highest among the groups gnomAD compares: Non-Finnish European, 0.000087%; no homozygotes.

Submission:

Labcorp Genetics (formerly Invitae), Labcorp
Classification: Uncertain significance for Catecholaminergic polymorphic ventricular tachycardia 1. Last evaluated: 2023-08-02. Review status: criteria provided, single submitter. Criteria: Invitae Variant Classification Sherloc (09022015). Collection method: clinical testing. Allele origin: germline.
Comment: Advanced modeling of protein sequence and biophysical properties (such as structural, functional, and spatial information, amino acid conservation, physicochemical variation, residue mobility, and thermodynamic stability) performed at Invitae indicates that this missense variant is expected to disrupt RYR2 protein function. In summary, the available evidence is currently insufficient to determine the role of this variant in disease. Therefore, it has been classified as a Variant of Uncertain Significance. This sequence change replaces glutamic acid, which is acidic and polar, with glycine, which is neutral and non-polar, at codon 3502 of the RYR2 protein (p.Glu3502Gly). This variant is not present in population databases (gnomAD no frequency). This variant has not been reported in the literature in individuals affected with RYR2-related conditions.

NM_001035.3(RYR2):c.10505A>G (p.Glu3502Gly)

Gene: RYR2 (ryanodine receptor 2; plus strand). Cytogenetic location: 1q43.
Variant type: single nucleotide variant.
Coding change: c.10505A>G on transcript NM_001035.3 (MANE Select); coding-DNA position 10505, A replaced by G.
Protein change: p.Glu3502Gly; replaces glutamic acid 3502 with glycine.
Molecular consequence: missense variant.
Genome position (GRCh38, 1-based): chr1:237,718,472, A>G. VCF-style: chr1-237718472-A-G. GRCh37 (hg19) VCF-style: chr1-237881772-A-G.
Other names: short protein forms E3502G.
Identifiers: ClinVar variation 3010862 (VCV003010862.3), dbSNP rs752421504, ClinGen allele CA345415136.
Genomic context (GRCh38, chr1:237,718,472, plus strand): 5'-CAGTTGATGCAATAGAAGACTCCTTTTAGGTAACATATATTTCTTGACAGAAAGATACCG[A>G]GGATGAAGTACGAGATATAATCCGCAGCAATATTCATTTACAAGGCAAGGTAAGCCAAAT-3'
Protein context (NP_001026.2, residues 3492-3512): AKNRFSLKDT[Glu3502Gly]DEVRDIIRSN